The following is an entry in ClinVar:

NM_201384.3(PLEC):c.10615C>T (p.Arg3539Cys)

Gene: PLEC (plectin; minus strand). Cytogenetic location: 8q24.3.
Variant type: single nucleotide variant.
Coding change: c.10615C>T on transcript NM_201384.3 (MANE Select); coding-DNA position 10615, C replaced by T.
Protein change: p.Arg3539Cys; replaces arginine 3539 with cysteine.
Molecular consequence: missense variant.
Genome position (GRCh38, 1-based): chr8:143,919,206, G>A on the plus strand (C>T on the coding strand, the complement: PLEC is on the minus strand). VCF-style: chr8-143919206-G-A. GRCh37 (hg19) VCF-style: chr8-144993374-G-A.
Other names: c.10696C>T, p.Arg3566Cys (NM_000445.5); c.10573C>T, p.Arg3525Cys (NM_201378.4); c.10549C>T, p.Arg3517Cys (NM_201379.3); c.11026C>T, p.Arg3676Cys (NM_201380.4); c.10519C>T, p.Arg3507Cys (NM_201381.3); c.10615C>T, p.Arg3539Cys (NM_201382.4); c.10627C>T, p.Arg3543Cys (NM_201383.3); short protein forms R3507C, R3566C, R3539C, R3517C, R3543C, R3525C, R3676C.
Identifiers: ClinVar variation 471517 (VCV000471517.19), dbSNP rs201438739, ClinGen allele CA4924588.

ClinVar aggregate classification (germline): Conflicting classifications of pathogenicity. Review status: criteria provided, conflicting classifications (1 of 4 stars). 6 submissions from 6 submitters: Uncertain significance (5); Likely benign (1). Last evaluated 2026-02-28.

Conditions:
Epidermolysis bullosa simplex 5B, with muscular dystrophy (EBS5B). Also called: EPIDERMOLYSIS BULLOSA SIMPLEX AND LIMB-GIRDLE MUSCULAR DYSTROPHY; Epidermolysis bullosa simplex with muscular dystrophy. Identifiers: Orphanet 257, MedGen C2931072, MONDO:0009181, OMIM 226670.
Epidermolysis bullosa simplex 5C, with pyloric atresia (EBS5C). Also called: PLEC-Related Epidermolysis Bullosa with Pyloric Atresia; Epidermolysis bullosa simplex with pyloric atresia; PLEC1-Related Epidermolysis Bullosa with Pyloric Atresia. Identifiers: Orphanet 158684, MedGen C2677349, MONDO:0012807, OMIM 612138.
Epidermolysis bullosa simplex with nail dystrophy (EBS5D). Identifiers: MedGen C4225309, MONDO:0014661, OMIM 616487.
Epidermolysis bullosa simplex, Ogna type (EBS5A). Also called: Pidermolysis bullosa simplex 5A, Ogna type; EPIDERMOLYSIS BULLOSA SIMPLEX 5A, OGNA TYPE. Identifiers: Orphanet 79401, MedGen C0432317, MONDO:0007555, OMIM 131950.
Autosomal recessive limb-girdle muscular dystrophy type 2Q (LGMDR17). Also called: MUSCULAR DYSTROPHY, LIMB-GIRDLE, AUTOSOMAL RECESSIVE 17. Identifiers: Orphanet 254361, MedGen C3150989, MONDO:0013390, OMIM 613723.
Inborn genetic diseases. Identifiers: MedGen C0950123, MeSH D030342.

Allele frequency attached by ClinVar (database versions not stated): gnomAD exomes 0.00006 and 0.00016; gnomAD 0.00009 and 0.00005; 1000 Genomes Project 30x 0.00062; TOPMed 0.00008; 1000 Genomes Project 0.00080; ExAC 0.00017.
gnomAD v4.1: 98 of 1,613,734 alleles (0.0061%); highest among the groups gnomAD compares: East Asian, 0.096%; no homozygotes.

Submissions (6):

GeneDx
Classification: Likely benign. Last evaluated: 2026-02-28. Review status: criteria provided, single submitter. Criteria: GeneDx Variant Classification Process June 2021. Collection method: clinical testing. Allele origin: germline.
Comment: See Variant Classification Assertion Criteria.

Ambry Genetics
Classification: Uncertain significance for Inborn genetic diseases. Last evaluated: 2025-05-26. Review status: criteria provided, single submitter. Criteria: Ambry Variant Classification Scheme 2023. Collection method: clinical testing. Allele origin: germline.

Labcorp Genetics (formerly Invitae), Labcorp
Classification: Uncertain significance for Autosomal recessive limb-girdle muscular dystrophy type 2Q; Epidermolysis bullosa simplex, Ogna type; Epidermolysis bullosa simplex with nail dystrophy; Epidermolysis bullosa simplex 5C, with pyloric atresia; Epidermolysis bullosa simplex 5B, with muscular dystrophy. Last evaluated: 2025-05-12. Review status: criteria provided, single submitter. Criteria: Invitae Variant Classification Sherloc (09022015). Collection method: clinical testing. Allele origin: germline.
Comment: This sequence change replaces arginine, which is basic and polar, with cysteine, which is neutral and slightly polar, at codon 3566 of the PLEC protein (p.Arg3566Cys). This variant is present in population databases (rs201438739, gnomAD 0.1%). This variant has not been reported in the literature in individuals affected with PLEC-related conditions. ClinVar contains an entry for this variant (Variation ID: 471517). Invitae Evidence Modeling of protein sequence and biophysical properties (such as structural, functional, and spatial information, amino acid conservation, physicochemical variation, residue mobility, and thermodynamic stability) indicates that this missense variant is not expected to disrupt PLEC protein function with a negative predictive value of 80%. In summary, the available evidence is currently insufficient to determine the role of this variant in disease. Therefore, it has been classified as a Variant of Uncertain Significance.

Revvity Omics, Revvity
Classification: Uncertain significance. Last evaluated: 2019-07-13. Review status: criteria provided, single submitter. Criteria: ACMG Guidelines, 2015. Collection method: clinical testing. Allele origin: germline.

Athena Diagnostics
Classification: Uncertain significance. Last evaluated: 2018-10-17. Review status: criteria provided, single submitter. Criteria: Athena Diagnostics Criteria. Collection method: clinical testing. Allele origin: germline.

Breakthrough Genomics
Classification: Uncertain significance. Review status: criteria provided, single submitter. Criteria: ACMG Guidelines, 2015. Collection method: not provided. Allele origin: germline. Inheritance: Autosomal recessive inheritance. Affected: yes.